The following is an entry in ClinVar:

ClinVar aggregate classification (germline): Uncertain significance. Review status: criteria provided, multiple submitters, no conflicts (2 of 4 stars). 3 submissions from 3 submitters: Uncertain significance (3). Last evaluated 2025-08-20.

Conditions:
Cardiovascular phenotype. Identifiers: MedGen CN230736.
Hypertrophic cardiomyopathy. Also called: HYPERTROPHIC MYOCARDIOPATHY. Identifiers: Orphanet 217569, MedGen C0007194, MeSH D002312, MONDO:0005045, HP:0001639.

Submissions (3):

Ambry Genetics
Classification: Uncertain significance for Cardiovascular phenotype. Last evaluated: 2025-08-20. Review status: criteria provided, single submitter. Criteria: Ambry Variant Classification Scheme 2023. Collection method: clinical testing. Allele origin: germline.
Comment: The p.Q1142R variant (also known as c.3425A>G), located in coding exon 31 of the MYBPC3 gene, results from an A to G substitution at nucleotide position 3425. The glutamine at codon 1142 is replaced by arginine, an amino acid with highly similar properties. This amino acid position is conserved. In addition, this alteration is predicted to be tolerated by in silico analysis. Based on the available evidence, the clinical significance of this variant remains unclear.

All of Us Research Program, National Institutes of Health
Classification: Uncertain significance for Hypertrophic cardiomyopathy. Last evaluated: 2024-09-13. Review status: criteria provided, single submitter. Criteria: ACMG Guidelines, 2015. Collection method: clinical testing. Allele origin: germline. Inheritance: Autosomal dominant inheritance. Observed: 3 variant alleles, 3 heterozygotes.
Comment: This missense variant replaces glutamine with arginine at codon 1142 of the MYBPC3 protein. Computational prediction suggests that this variant may not impact protein structure and function (internally defined REVEL score threshold <= 0.5, PMID: 27666373). To our knowledge, functional studies have not been reported for this variant. This variant has not been reported in individuals affected with MYBPC3-related disorders in the literature. This variant has not been identified in the general population by the Genome Aggregation Database (gnomAD). The available evidence is insufficient to determine the role of this variant in disease conclusively. Therefore, this variant is classified as a Variant of Uncertain Significance.

This study involves interpretation of variants in research participants for the purpose of population health screening. Participant phenotype was not available at the time of variant classification. Additional details can be found in publication PMID: 35346344, PMCID: PMC8962531

Labcorp Genetics (formerly Invitae), Labcorp
Classification: Uncertain significance for Hypertrophic cardiomyopathy. Last evaluated: 2023-09-10. Review status: criteria provided, single submitter. Criteria: Invitae Variant Classification Sherloc (09022015). Collection method: clinical testing. Allele origin: germline.
Comment: In summary, the available evidence is currently insufficient to determine the role of this variant in disease. Therefore, it has been classified as a Variant of Uncertain Significance. An algorithm developed to predict the effect of missense changes on protein structure and function (PolyPhen-2) suggests that this variant is likely to be tolerated. This variant has not been reported in the literature in individuals affected with MYBPC3-related conditions. This variant is not present in population databases (gnomAD no frequency). This sequence change replaces glutamine, which is neutral and polar, with arginine, which is basic and polar, at codon 1142 of the MYBPC3 protein (p.Gln1142Arg).

NM_000256.3(MYBPC3):c.3425A>G (p.Gln1142Arg)

Gene: MYBPC3 (myosin binding protein C3; minus strand). Cytogenetic location: 11p11.2.
Variant type: single nucleotide variant.
Coding change: c.3425A>G on transcript NM_000256.3 (MANE Select); coding-DNA position 3425, A replaced by G.
Protein change: p.Gln1142Arg; replaces glutamine 1142 with arginine.
Molecular consequence: missense variant.
Genome position (GRCh38, 1-based): chr11:47,332,879, T>C on the plus strand (A>G on the coding strand, the complement: MYBPC3 is on the minus strand). VCF-style: chr11-47332879-T-C. GRCh37 (hg19) VCF-style: chr11-47354430-T-C.
Other names: short protein forms Q1142R.
Identifiers: ClinVar variation 2988585 (VCV002988585.6), dbSNP rs2095878587, ClinGen allele CA380313382.